The following is an entry in ClinVar:

NM_000540.3(RYR1):c.6232G>T (p.Glu2078Ter)

Gene: RYR1 (ryanodine receptor 1; plus strand). Cytogenetic location: 19q13.2.
Variant type: single nucleotide variant.
Coding change: c.6232G>T on transcript NM_000540.3 (MANE Select); coding-DNA position 6232, G replaced by T.
Protein change: p.Glu2078Ter; replaces glutamic acid 2078 with a stop codon.
Molecular consequence: nonsense.
Genome position (GRCh38, 1-based): chr19:38,492,594, G>T. VCF-style: chr19-38492594-G-T. GRCh37 (hg19) VCF-style: chr19-38983234-G-T.
Other names: c.6232G>T, p.Glu2078Ter (NM_001042723.2); short protein forms E2078*.
Identifiers: ClinVar variation 429839 (VCV000429839.2), dbSNP rs1131691626, ClinGen allele CA405662433.

ClinVar aggregate classification (germline): Pathogenic (1 of 4 stars; one submission).

Submission:

GeneDx
Classification: Pathogenic. Last evaluated: 2018-04-23. Review status: criteria provided, single submitter. Criteria: GeneDx Variant Classification (06012015). Collection method: clinical testing. Allele origin: germline. Affected: yes.
Comment: The E2078X variant in the RYR1 gene has not been reported previously as a pathogenic variant nor as a benign polymorphism, to our knowledge. This variant is predicted to cause loss of normal protein function either through protein truncation or nonsense-mediated mRNA decay. Protein truncating variants downstream of E2078X have been reported in the Human Gene Mutation Database in association with RYR1-related disorders (Stenson et al., 2014), supporting the pathogenicity of more upstream truncating variants. The E2078X variant was not observed in approximately 6500 individuals of European and African American ancestry in the NHLBI Exome Sequencing Project, indicating it is not a common benign variant in these populations. We interpret E2078X as a pathogenic variant.